The following is an entry in ClinVar:

ClinVar aggregate classification (germline): Likely benign (1 of 4 stars; one submission).

Allele frequency attached by ClinVar (database versions not stated): ExAC 0.00006; 1000 Genomes Project 0.00140; gnomAD exomes 0.00197; 1000 Genomes Project 30x 0.00640; gnomAD 0.00761.
gnomAD v4.1: 4,051 of 1,606,266 alleles (0.25%); highest among the groups gnomAD compares: African/African-American, 0.94%; 58 homozygotes.

Submission:

CeGaT Center for Human Genetics Tuebingen
Classification: Likely benign. Last evaluated: 2025-09-01. Review status: criteria provided, single submitter. Criteria: CeGaT Center For Human Genetics Tuebingen Variant Classification Criteria Version 2. Collection method: clinical testing. Allele origin: germline. Affected: yes. Observed: 2 variant alleles.
Comment: CATSPER2: BP4, BS2

NM_172095.4(CATSPER2):c.389-7T>C

Gene: CATSPER2 (cation channel sperm associated 2; minus strand). Cytogenetic location: 15q15.3.
Variant type: single nucleotide variant.
Coding change: c.389-7T>C on transcript NM_172095.4 (MANE Select); 7 bases into the intron before coding-DNA position 389, T replaced by C.
Molecular consequence: intron variant.
Genome position (GRCh38, 1-based): chr15:43,640,503, A>G on the plus strand (T>C on the coding strand, the complement: CATSPER2 is on the minus strand). VCF-style: chr15-43640503-A-G. GRCh37 (hg19) VCF-style: chr15-43932701-A-G.
Other names: c.389-7T>C (NM_001282309.3); c.407-7T>C (NM_001282310.2).
Identifiers: ClinVar variation 2582931 (VCV002582931.25), dbSNP rs569089602, ClinGen allele CA7528911.